The following is an entry in ClinVar:

ClinVar aggregate classification (germline): Uncertain significance. Review status: criteria provided, multiple submitters, no conflicts (2 of 4 stars). 2 submissions from 2 submitters: Uncertain significance (2). Last evaluated 2024-05-30.

Conditions:
BRCA2-related cancer predisposition. Identifiers: MedGen CN377758, MONDO:0700269.
Hereditary breast ovarian cancer syndrome. Also called: BRCA1- and BRCA2-Associated Hereditary Breast and Ovarian Cancer; Hereditary breast and ovarian cancer syndrome; Hereditary breast and ovarian cancer syndrome (HBOC); Hereditary breast and/or ovarian cancer syndrome; Breast and ovarian cancer; Hereditary breast and ovarian cancer. Identifiers: Orphanet 145, MedGen C0677776, MeSH D061325, MONDO:0003582. Disease mechanism: loss of function.

Submissions (2):

All of Us Research Program, National Institutes of Health
Classification: Uncertain significance for BRCA2-related cancer predisposition. Last evaluated: 2024-05-30. Review status: criteria provided, single submitter. Criteria: ACMG Guidelines, 2015. Collection method: clinical testing. Allele origin: germline. Inheritance: Autosomal dominant inheritance. Observed: 1 variant allele, 1 heterozygote.
Comment: This missense variant replaces glycine with cysteine at codon 2816 of the BRCA2 protein. Computational prediction is inconclusive regarding the impact of this variant on protein structure and function (internally defined REVEL score threshold 0.5 < inconclusive < 0.7, PMID: 27666373). To our knowledge, functional studies have not been reported for this variant. This variant has not been reported in individuals affected with BRCA2-related disorders in the literature. This variant has not been identified in the general population by the Genome Aggregation Database (gnomAD). The available evidence is insufficient to determine the role of this variant in disease conclusively. Therefore, this variant is classified as a Variant of Uncertain Significance.

This study involves interpretation of variants in research participants for the purpose of population health screening. Participant phenotype was not available at the time of variant classification. Additional details can be found in publication PMID: 35346344, PMCID: PMC8962531

Labcorp Genetics (formerly Invitae), Labcorp
Classification: Uncertain significance for Hereditary breast ovarian cancer syndrome. Last evaluated: 2023-04-15. Review status: criteria provided, single submitter. Criteria: Invitae Variant Classification Sherloc (09022015). Collection method: clinical testing. Allele origin: germline.
Comment: This variant has not been reported in the literature in individuals affected with BRCA2-related conditions. This variant is not present in population databases (gnomAD no frequency). This sequence change replaces glycine, which is neutral and non-polar, with cysteine, which is neutral and slightly polar, at codon 2816 of the BRCA2 protein (p.Gly2816Cys). ClinVar contains an entry for this variant (Variation ID: 657665). In summary, the available evidence is currently insufficient to determine the role of this variant in disease. Therefore, it has been classified as a Variant of Uncertain Significance. Advanced modeling of protein sequence and biophysical properties (such as structural, functional, and spatial information, amino acid conservation, physicochemical variation, residue mobility, and thermodynamic stability) performed at Invitae indicates that this missense variant is not expected to disrupt BRCA2 protein function.

NM_000059.4(BRCA2):c.8446G>T (p.Gly2816Cys)

Gene: BRCA2 (BRCA2 DNA repair associated; plus strand). Cytogenetic location: 13q13.1.
Variant type: single nucleotide variant.
Coding change: c.8446G>T on transcript NM_000059.4 (MANE Select); coding-DNA position 8446, G replaced by T.
Protein change: p.Gly2816Cys; replaces glycine 2816 with cysteine.
Molecular consequence: missense variant.
Genome position (GRCh38, 1-based): chr13:32,370,516, G>T. VCF-style: chr13-32370516-G-T. GRCh37 (hg19) VCF-style: chr13-32944653-G-T.
Other names: short protein forms G2816C.
Identifiers: ClinVar variation 657665 (VCV000657665.10), dbSNP rs1555287651, ClinGen allele CA387752575.
Genomic context (GRCh38, chr13:32,370,516, plus strand): 5'-CCTGACCCTAGACCTTTTCCTCTGCCCTTATCATCGCTTTTCAGTGATGGAGGAAATGTT[G>T]GTTGTGTTGATGTAATTATTCAAAGAGCATACCCTATACAGGTATGATGTATTCTTGAAA-3'
Protein context (NP_000050.3, residues 2806-2826): SSLFSDGGNV[Gly2816Cys]CVDVIIQRAY